The following is an entry in ClinVar:

ClinVar aggregate classification (germline): Uncertain significance (1 of 4 stars; one submission).

gnomAD v4.1: 5 of 1,608,788 alleles (0.00031%); highest among the groups gnomAD compares: South Asian, 0.0044%; no homozygotes.

Submission:

Labcorp Genetics (formerly Invitae), Labcorp
Classification: Uncertain significance. Last evaluated: 2023-01-13. Review status: criteria provided, single submitter. Criteria: Invitae Variant Classification Sherloc (09022015). Collection method: clinical testing. Allele origin: germline.
Comment: This sequence change falls in intron 14 of the POLE2 gene. It does not directly change the encoded amino acid sequence of the POLE2 protein. It affects a nucleotide within the consensus splice site. This variant is present in population databases (rs746037951, gnomAD 0.007%). This variant has not been reported in the literature in individuals affected with POLE2-related conditions. Variants that disrupt the consensus splice site are a relatively common cause of aberrant splicing (PMID: 17576681, 9536098). Algorithms developed to predict the effect of sequence changes on RNA splicing suggest that this variant is not likely to affect RNA splicing. In summary, the available evidence is currently insufficient to determine the role of this variant in disease. Therefore, it has been classified as a Variant of Uncertain Significance.

Literature cited by the submitters: PubMed 17576681; PubMed 9536098.

NM_002692.4(POLE2):c.1133+6T>A

Gene: POLE2 (DNA polymerase epsilon 2, accessory subunit; minus strand). Cytogenetic location: 14q21.3.
Variant type: single nucleotide variant.
Coding change: c.1133+6T>A on transcript NM_002692.4 (MANE Select); 6 bases into the intron after coding-DNA position 1133, T replaced by A.
Molecular consequence: intron variant.
Genome position (GRCh38, 1-based): chr14:49,654,149, A>T on the plus strand (T>A on the coding strand, the complement: POLE2 is on the minus strand). VCF-style: chr14-49654149-A-T. GRCh37 (hg19) VCF-style: chr14-50120867-A-T.
Other names: c.1055+6T>A (NM_001197330.2); c.1130+6T>A (NM_001348384.2); c.902+6T>A (NM_001348385.2); c.1133+6T>A (NM_001197331.3).
Identifiers: ClinVar variation 2722115 (VCV002722115.3), dbSNP rs746037951, ClinGen allele CA7173371.